The following is an entry in ClinVar:

ClinVar aggregate classification (germline): Pathogenic/Likely pathogenic. Review status: criteria provided, multiple submitters, no conflicts (2 of 4 stars). 27 submissions from 27 submitters: Pathogenic (19); Likely pathogenic (4). 4 of the submissions do not count toward it. Last evaluated 2026-11-17.

Conditions:
SLC22A5-related disorder. Also called: SLC22A5-related condition.
Carnitine deficiency. Identifiers: MedGen C1142132.
Renal carnitine transport defect (CDSP). Also called: Primary carnitine deficiency; Carnitine transporter deficiency; Carnitine Deficiency, Systemic; Systemic primary carnitine deficiency; CARNITINE DEFICIENCY, SYSTEMIC, DUE TO DEFECT IN RENAL REABSORPTION OF CARNITINE; CARNITINE TRANSPORTER, PLASMA-MEMBRANE, DEFICIENCY OF. Identifiers: Orphanet 158, MedGen C0342788, MONDO:0008919, OMIM 212140.

Allele frequency attached by ClinVar (database versions not stated): gnomAD exomes 0.00045 and 0.00081; TOPMed 0.00045; gnomAD 0.00047 and 0.00052; ExAC 0.00055; ESP Exome Variant Server 0.00062.
gnomAD v4.1: 1,226 of 1,611,858 alleles (0.076%); highest among the groups gnomAD compares: Non-Finnish European, 0.099%; 2 homozygotes.

Submissions 1 to 14 of 27:

PreventionGenetics, part of Exact Sciences
Classification: Pathogenic for SLC22A5-related condition. Last evaluated: 2026-11-17. Review status: criteria provided, single submitter. Criteria: ACMG Guidelines, 2015. Collection method: clinical testing. Allele origin: germline.
Comment: The SLC22A5 c.136C>T variant is predicted to result in the amino acid substitution p.Pro46Ser. This variant has been reported, in the homozygous state or heterozygous state with a second SLC22A5 variant, in individuals identified based on abnormal newborn screening results or due to clinical symptoms consistent with systemic primary carnitine deficiency (SPCD) (Li et al. 2010. PubMed ID: 20574985; de Boer et al. 2013. PubMed ID: 23430798; Frigeni et al. 2017. PubMed ID: 28841266). It has also been reported in several adult women who were identified due to abnormal newborn screen results in their infants. The p.Pro46Ser substitution has been reported to reduce, though not completely eliminate, carnitine transport as well as affect glycosylation and maturation to the plasma membrane of the OCTN2 carnitine transporter protein (Filippo et al. 2011. PubMed ID: 21126579; Frigeni et al. 2017. PubMed ID: 28841266). A different change affecting the same amino acid (p.Pro46Leu) has also been reported to be causative for systemic primary carnitine deficiency (Frigeni et al. 2017. PubMed ID: 28841266). In summary, we interpret this variant as pathogenic.

Labcorp Genetics (formerly Invitae), Labcorp
Classification: Pathogenic for Renal carnitine transport defect. Last evaluated: 2026-01-31. Review status: criteria provided, single submitter. Criteria: Invitae Variant Classification Sherloc (09022015). Collection method: clinical testing. Allele origin: germline.
Comment: This sequence change replaces proline, which is neutral and non-polar, with serine, which is neutral and polar, at codon 46 of the SLC22A5 protein (p.Pro46Ser). This variant is present in population databases (rs202088921, gnomAD 0.08%). This missense change has been observed in individuals with primary carnitine deficiency (PMID: 17126586, 20027113, 20574985, 23430798, 23430858, 23963628). ClinVar contains an entry for this variant (Variation ID: 193250). Invitae Evidence Modeling of protein sequence and biophysical properties (such as structural, functional, and spatial information, amino acid conservation, physicochemical variation, residue mobility, and thermodynamic stability) indicates that this missense variant is expected to disrupt SLC22A5 protein function with a positive predictive value of 95%. Experimental studies have shown that this missense change affects SLC22A5 function (PMID: 17126586, 21126579). For these reasons, this variant has been classified as Pathogenic.

Natera, Inc.
Classification: Pathogenic for Carnitine deficiency. Last evaluated: 2025-09-11. Review status: criteria provided, single submitter. Criteria: Natera Variant Classification Schema (03/2026). Collection method: clinical testing. Allele origin: germline.
Comment: The c.136C>T variant in SLC22A5 is a missense variant predicted to cause substitution of proline to serine at amino acid 46. This variant is rare in the general population with a frequency below the threshold expected for the associated phenotype(s). This variant has been observed in one or more individuals affected with the associated recessive disease, as either homozygous or compound heterozygous with a second variant (PMID: 33123633). Computational prediction algorithms indicate this variant is likely to affect gene or protein function. Given the available evidence, this variant is classified as Pathogenic.

Blueprint Genetics
Classification: Pathogenic for SLC22A5-related disorders. Last evaluated: 2024-11-05. Review status: criteria provided, single submitter. Criteria: ACMG Guidelines, 2015. Collection method: clinical testing. Allele origin: germline. Affected: yes. Observed: 5 variant alleles.

Fulgent Genetics
Classification: Pathogenic for Renal carnitine transport defect. Last evaluated: 2024-06-21. Review status: criteria provided, single submitter. Criteria: ACMG Guidelines, 2015. Collection method: clinical testing. Allele origin: germline.

Institute of Immunology and Genetics Kaiserslautern
Classification: Pathogenic for Renal carnitine transport defect. Last evaluated: 2024-02-02. Review status: criteria provided, single submitter. Criteria: ACMG Guidelines, 2015. Collection method: clinical testing. Allele origin: germline. Affected: yes.
Comment: ACMG Criteria: PS3, PM2, PM5, PP3, PP5; Variant was found in heterozygous state

Laboratory of Medical Genetics, National & Kapodistrian University of Athens
Classification: Pathogenic for Renal carnitine transport defect. Last evaluated: 2024-02-01. Review status: criteria provided, single submitter. Criteria: ACMG Guidelines, 2015. Collection method: curation. Allele origin: germline. Affected: no.

Mayo Clinic Laboratories, Mayo Clinic
Classification: Pathogenic. Last evaluated: 2023-05-04. Review status: criteria provided, single submitter. Criteria: ACMG Guidelines, 2015. Collection method: clinical testing. Allele origin: germline. Observed: 2 variant alleles.
Comment: PP3, PM3, PM5, PS3, PS4_moderate

Giacomini Lab, University of California, San Francisco
Classification: Pathogenic for Renal carnitine transport defect. Last evaluated: 2022-10-03. Review status: criteria provided, single submitter. Criteria: ACMG Guidelines, 2015. Collection method: research, in vitro. Allele origin: germline, not applicable.

Victorian Clinical Genetics Services, Murdoch Childrens Research Institute
Classification: Pathogenic for Renal carnitine transport defect. Last evaluated: 2022-06-24. Review status: criteria provided, single submitter. Criteria: ACMG Guidelines, 2015. Collection method: clinical testing. Allele origin: germline. Inheritance: Autosomal recessive inheritance. Affected: yes.
Comment: Based on the classification scheme VCGS_Germline_v1.3.4, this variant is classified as Pathogenic. Following criteria are met: 0102 - Loss of function is a known mechanism of disease in this gene and is associated with primary systemic carnitine deficiency (MIM#212140). (I) 0106 - This gene is associated with autosomal recessive disease. (I) 0115 - Variants in this gene are known to have variable expressivity. The same variant has been found in asymptomatic or minimally symptomatic adult women and in a compound heterozygous mother with cardiac arrest (PMID: 28841266). (I) 0200 - Variant is predicted to result in a missense amino acid change from proline to serine. (I) 0251 - This variant is heterozygous. (I) 0304 - Variant is present in gnomAD (v3) <0.01 for a recessive condition (70 heterozygotes, 1 homozygote). (SP) 0309 - An alternative amino acid change at the same position has been observed in gnomAD (v2) (3 heterozygotes, 0 homozygotes). (I) 0501 - Missense variant consistently predicted to be damaging by multiple in silico tools or highly conserved with a major amino acid change. (SP) 0604 - Variant is not located in an established domain, motif, hotspot or informative constraint region. (I) 0801 - This variant has strong previous evidence of pathogenicity in unrelated individuals. This is one of the most frequent mutations identified in individuals with primary systemic carnitine deficiency (ClinVar, PMID: 17126586, 22989098, 28841266). (SP) 1208 - Inheritance information for this variant is not currently available in this individual. (I) Legend: (SP) - Supporting pathogenic, (I) - Information, (SB) - Supporting benign

Centre of Medical Genetics, University Hospital Muenster
Classification: Pathogenic. Last evaluated: 2021-12-13. Review status: criteria provided, single submitter. Criteria: ACMG Guidelines, 2015. Collection method: clinical testing. Allele origin: unknown. Affected: yes. Observed: 1 variant allele, 1 heterozygote.
Comment: ACMG categories: PM1,PM2,PP2,PP3,PP5

Revvity Omics, Revvity
Classification: Pathogenic for Renal carnitine transport defect. Last evaluated: 2021-09-03. Review status: criteria provided, single submitter. Criteria: ACMG Guidelines, 2015. Collection method: clinical testing. Allele origin: germline.

CeGaT Center for Human Genetics Tuebingen
Classification: Pathogenic. Last evaluated: 2021-08-01. Review status: criteria provided, single submitter. Criteria: CeGaT Center For Human Genetics Tuebingen Variant Classification Criteria Version 2. Collection method: clinical testing. Allele origin: germline. Affected: yes. Observed: 5 variant alleles.

Genetics and Molecular Pathology, SA Pathology
Classification: Likely pathogenic for Renal carnitine transport defect. Last evaluated: 2021-07-22. Review status: criteria provided, single submitter. Criteria: ACMG Guidelines, 2015. Collection method: clinical testing. Allele origin: germline. Inheritance: Autosomal recessive inheritance. Affected: yes.

NM_003060.4(SLC22A5):c.136C>T (p.Pro46Ser)

Gene: SLC22A5 (solute carrier family 22 member 5; plus strand). Cytogenetic location: 5q31.1.
Variant type: single nucleotide variant.
Coding change: c.136C>T on transcript NM_003060.4 (MANE Select); coding-DNA position 136, C replaced by T.
Protein change: p.Pro46Ser; replaces proline 46 with serine.
Molecular consequence: missense variant.
Genome position (GRCh38, 1-based): chr5:132,370,108, C>T. VCF-style: chr5-132370108-C-T. GRCh37 (hg19) VCF-style: chr5-131705800-C-T.
Other names: c.136C>T, p.Pro46Ser (NM_001308122.2); short protein forms P46S.
Identifiers: ClinVar variation 193250 (VCV000193250.102), dbSNP rs202088921, ClinGen allele CA312966.
Genomic context (GRCh38, chr5:132,370,108, plus strand): 5'-AGCGCCAGCATCATCCCCAATGGCTTCACCGGCCTGTCCTCCGTGTTCCTGATAGCGACC[C>T]CGGAGCACCGCTGCCGGGTGCCGGACGCCGCGAACCTGAGCAGCGCCTGGCGCAACCACA-3'
Protein context (NP_003051.1, residues 36-56): GLSSVFLIAT[Pro46Ser]EHRCRVPDAA